The following is an entry in ClinVar:

ClinVar aggregate classification (germline): Likely benign. Review status: criteria provided, multiple submitters, no conflicts (2 of 4 stars). 3 submissions from 3 submitters: Likely benign (3). Last evaluated 2026-01-26.

Conditions:
ABCA4-related disorder. Also called: ABCA4-related condition; ABCA4-related disorders. Identifiers: MedGen CN239167.

Allele frequency attached by ClinVar (database versions not stated): ExAC 0.00007; TOPMed 0.00012; gnomAD 0.00013 and 0.00014; gnomAD exomes 0.00013.
gnomAD v4.1: 476 of 1,613,832 alleles (0.029%); highest among the groups gnomAD compares: Non-Finnish European, 0.038%; no homozygotes.

Submissions (3):

Labcorp Genetics (formerly Invitae), Labcorp
Classification: Likely benign. Last evaluated: 2026-01-26. Review status: criteria provided, single submitter. Criteria: Invitae Variant Classification Sherloc (09022015). Collection method: clinical testing. Allele origin: germline.

Blueprint Genetics
Classification: Likely benign. Last evaluated: 2024-11-08. Review status: criteria provided, single submitter. Criteria: ACMG Guidelines, 2015. Collection method: clinical testing. Allele origin: germline.

PreventionGenetics, part of Exact Sciences
Classification: Likely benign for ABCA4-related condition. Last evaluated: 2024-10-18. Review status: criteria provided, single submitter. Criteria: ACMG Guidelines, 2015. Collection method: clinical testing. Allele origin: germline.
Comment: This variant is classified as likely benign based on ACMG/AMP sequence variant interpretation guidelines (Richards et al. 2015 PMID: 25741868, with internal and published modifications).

NM_000350.3(ABCA4):c.3051-18G>A

Gene: ABCA4 (ATP binding cassette subfamily A member 4; minus strand). Cytogenetic location: 1p22.1.
Variant type: single nucleotide variant.
Coding change: c.3051-18G>A on transcript NM_000350.3 (MANE Select); 18 bases into the intron before coding-DNA position 3051, G replaced by A.
Molecular consequence: intron variant.
Genome position (GRCh38, 1-based): chr1:94,043,493, C>T on the plus strand (G>A on the coding strand, the complement: ABCA4 is on the minus strand). VCF-style: chr1-94043493-C-T. GRCh37 (hg19) VCF-style: chr1-94509049-C-T.
Other names: c.3051-18G>A (NM_000350.2).
Identifiers: ClinVar variation 1156458 (VCV001156458.11), dbSNP rs757046756, ClinGen allele CA958057.